The following is an entry in ClinVar:

ClinVar aggregate classification (germline): Benign (1 of 4 stars; one submission).

Allele frequency attached by ClinVar (database versions not stated): gnomAD 0.00325; TOPMed 0.00365; 1000 Genomes Project 0.00399; 1000 Genomes Project 30x 0.00406.

Submission:

CeGaT Center for Human Genetics Tuebingen
Classification: Benign. Last evaluated: 2022-11-01. Review status: criteria provided, single submitter. Criteria: CeGaT Center For Human Genetics Tuebingen Variant Classification Criteria Version 2. Collection method: clinical testing. Allele origin: germline. Affected: yes. Observed: 1 variant allele.
Comment: LYST: BS1, BS2

NM_000081.4(LYST):c.*1831A>C

Gene: LYST (lysosomal trafficking regulator; minus strand). Cytogenetic location: 1q42.3.
Variant type: single nucleotide variant.
Coding change: c.*1831A>C on transcript NM_000081.4 (MANE Select); 1831 bases downstream of the stop codon, A replaced by C.
Molecular consequence: 3 prime UTR variant.
Genome position (GRCh38, 1-based): chr1:235,661,109, T>G on the plus strand (A>C on the coding strand, the complement: LYST is on the minus strand). VCF-style: chr1-235661109-T-G. GRCh37 (hg19) VCF-style: chr1-235824409-T-G.
Other names: c.*1831A>C (NM_001301365.1).
Identifiers: ClinVar variation 296319 (VCV000296319.29), dbSNP rs142608315, ClinGen allele CA10609518.